The following is an entry in ClinVar:

NM_002691.4(POLD1):c.2996T>C (p.Val999Ala)

Gene: POLD1 (DNA polymerase delta 1, catalytic subunit; plus strand). Cytogenetic location: 19q13.33.
Variant type: single nucleotide variant.
Coding change: c.2996T>C on transcript NM_002691.4 (MANE Select); coding-DNA position 2996, T replaced by C.
Protein change: p.Val999Ala; replaces valine 999 with alanine.
Molecular consequence: missense variant. On other transcripts: non-coding transcript variant (1).
Genome position (GRCh38, 1-based): chr19:50,416,652, T>C. VCF-style: chr19-50416652-T-C. GRCh37 (hg19) VCF-style: chr19-50919909-T-C.
Other names: c.2996T>C (NM_002691.2); c.2996T>C, p.Val999Ala (NM_001256849.1); c.3074T>C, p.Val1025Ala (NM_001308632.1); short protein forms V1025A, V999A.
Identifiers: ClinVar variation 1481500 (VCV001481500.9), dbSNP rs2122496598, ClinGen allele CA406986890.

ClinVar aggregate classification (germline): Uncertain significance. Review status: criteria provided, multiple submitters, no conflicts (2 of 4 stars). 2 submissions from 2 submitters: Uncertain significance (2). Last evaluated 2024-06-11.

Conditions:
POLD1-related polyposis and colorectal cancer syndrome (CRCS10). Also called: Colorectal cancer 10; COLORECTAL CANCER, SUSCEPTIBILITY TO, ON CHROMOSOME 19q; Colorectal cancer, susceptibility to, 10. Identifiers: Orphanet 220460, MedGen C2675481, MONDO:0012953, OMIM 612591.
Hereditary cancer-predisposing syndrome. Also called: Neoplastic Syndromes, Hereditary; Tumor predisposition; Hereditary Cancer Syndrome; Hereditary neoplastic syndrome. Identifiers: Orphanet 140162, MedGen C0027672, MeSH D009386, MONDO:0015356.

Allele frequency attached by ClinVar (database versions not stated): gnomAD exomes below 0.00001.
gnomAD v4.1: 1 of 1,564,770 alleles (0.000064%); highest among the groups gnomAD compares: Non-Finnish European, 0.000086%; no homozygotes.

Submissions (2):

Ambry Genetics
Classification: Uncertain significance for Hereditary cancer-predisposing syndrome. Last evaluated: 2024-06-11. Review status: criteria provided, single submitter. Criteria: Ambry Variant Classification Scheme 2023. Collection method: clinical testing. Allele origin: germline.
Comment: The p.V999A variant (also known as c.2996T>C), located in coding exon 23 of the POLD1 gene, results from a T to C substitution at nucleotide position 2996. The valine at codon 999 is replaced by alanine, an amino acid with similar properties. This amino acid position is conserved. In addition, this alteration is predicted to be tolerated by in silico analysis. Based on the available evidence, the clinical significance of this variant remains unclear.

Labcorp Genetics (formerly Invitae), Labcorp
Classification: Uncertain significance for POLD1-related polyposis and colorectal cancer syndrome. Last evaluated: 2021-03-26. Review status: criteria provided, single submitter. Criteria: Invitae Variant Classification Sherloc (09022015). Collection method: clinical testing. Allele origin: germline.
Comment: The frequency data for this variant in the population databases is considered unreliable, as metrics indicate insufficient coverage at this position in the ExAC database. This variant has not been reported in the literature in individuals with POLD1-related conditions. Algorithms developed to predict the effect of missense changes on protein structure and function (SIFT, PolyPhen-2, Align-GVGD) all suggest that this variant is likely to be tolerated, but these predictions have not been confirmed by published functional studies and their clinical significance is uncertain. In summary, the available evidence is currently insufficient to determine the role of this variant in disease. Therefore, it has been classified as a Variant of Uncertain Significance. This sequence change replaces valine with alanine at codon 999 of the POLD1 protein (p.Val999Ala). The valine residue is moderately conserved and there is a small physicochemical difference between valine and alanine.